The following is an entry in ClinVar:

ClinVar aggregate classification (germline): Uncertain significance (1 of 4 stars; one submission).

Conditions:
BAP1-related tumor predisposition syndrome (TPDS1). Also called: Tumor susceptibility linked to germline BAP1 mutations; COMMON Syndrome; TUMOR PREDISPOSITION SYNDROME 1; BAP1 tumor predisposition syndrome. Identifiers: Orphanet 289539, MedGen C3280492, MONDO:0013692, OMIM 614327.

Submission:

Labcorp Genetics (formerly Invitae), Labcorp
Classification: Uncertain significance for BAP1-related tumor predisposition syndrome. Last evaluated: 2024-04-24. Review status: criteria provided, single submitter. Criteria: Invitae Variant Classification Sherloc (09022015). Collection method: clinical testing. Allele origin: germline.
Comment: This sequence change replaces valine, which is neutral and non-polar, with leucine, which is neutral and non-polar, at codon 233 of the BAP1 protein (p.Val233Leu). This variant is not present in population databases (gnomAD no frequency). This variant has not been reported in the literature in individuals affected with BAP1-related conditions. Advanced modeling of protein sequence and biophysical properties (such as structural, functional, and spatial information, amino acid conservation, physicochemical variation, residue mobility, and thermodynamic stability) performed at Invitae indicates that this missense variant is not expected to disrupt BAP1 protein function with a negative predictive value of 80%. In summary, the available evidence is currently insufficient to determine the role of this variant in disease. Therefore, it has been classified as a Variant of Uncertain Significance.

NM_004656.4(BAP1):c.697G>C (p.Val233Leu)

Gene: BAP1 (BRCA1 associated deubiquitinase 1; minus strand). Cytogenetic location: 3p21.1.
Variant type: single nucleotide variant.
Coding change: c.697G>C on transcript NM_004656.4 (MANE Select); coding-DNA position 697, G replaced by C.
Protein change: p.Val233Leu; replaces valine 233 with leucine.
Molecular consequence: missense variant. On other transcripts: intron variant (1).
Genome position (GRCh38, 1-based): chr3:52,406,339, C>G on the plus strand (G>C on the coding strand, the complement: BAP1 is on the minus strand). VCF-style: chr3-52406339-C-G. GRCh37 (hg19) VCF-style: chr3-52440355-C-G.
Other names: c.660-17G>C (NM_001410772.1); short protein forms V233L.
Identifiers: ClinVar variation 3650754 (VCV003650754.2).